The following is an entry in ClinVar:

ClinVar aggregate classification (germline): Uncertain significance (1 of 4 stars; one submission).

Submission:

Labcorp Genetics (formerly Invitae), Labcorp
Classification: Uncertain significance. Last evaluated: 2023-05-30. Review status: criteria provided, single submitter. Criteria: Invitae Variant Classification Sherloc (09022015). Collection method: clinical testing. Allele origin: germline.
Comment: This variant is not present in population databases (gnomAD no frequency). This sequence change replaces glutamic acid, which is acidic and polar, with lysine, which is basic and polar, at codon 159 of the RS1 protein (p.Glu159Lys). In summary, the available evidence is currently insufficient to determine the role of this variant in disease. Therefore, it has been classified as a Variant of Uncertain Significance. Advanced modeling of protein sequence and biophysical properties (such as structural, functional, and spatial information, amino acid conservation, physicochemical variation, residue mobility, and thermodynamic stability) has been performed at Invitae for this missense variant, however the output from this modeling did not meet the statistical confidence thresholds required to predict the impact of this variant on RS1 protein function. This variant has not been reported in the literature in individuals affected with RS1-related conditions.

NM_000330.4(RS1):c.475G>A (p.Glu159Lys)

Genes: CDKL5 (cyclin dependent kinase like 5; plus strand), RS1 (retinoschisin 1; minus strand). Cytogenetic location: Xp22.13.
Variant type: single nucleotide variant.
Coding change: c.475G>A on transcript NM_000330.4 (MANE Select); coding-DNA position 475, G replaced by A.
Protein change: p.Glu159Lys; replaces glutamic acid 159 with lysine.
Molecular consequence: missense variant. On other transcripts: intron variant (2).
Genome position (GRCh38, 1-based): chrX:18,644,477, C>T on the plus strand (G>A on the coding strand, the complement: RS1 is on the minus strand). VCF-style: chrX-18644477-C-T. GRCh37 (hg19) VCF-style: chrX-18662597-C-T.
Other names: c.2714-1530C>T (NM_003159.3, NM_001037343.2); short protein forms E159K.
Identifiers: ClinVar variation 2832889 (VCV002832889.3), dbSNP rs2518919635, ClinGen allele CA412371457.